The following is an entry in ClinVar:

ClinVar aggregate classification (germline): Uncertain significance (1 of 4 stars; one submission).

Conditions:
Hereditary sensory and autonomic neuropathy type 6. Also called: Neuropathy, hereditary sensory and autonomic, type VI; HSAN VI. Identifiers: Orphanet 314381, MedGen C3539003, MONDO:0013839, OMIM 614653.
Epidermolysis bullosa simplex 3, localized or generalized intermediate, with BP230 deficiency (EBS3). Also called: Epidermolysis bullosa simplex due to BP230 deficiency; Epidermolysis bullosa simplex, autosomal recessive 2. Identifiers: Orphanet 412181, MedGen C3809470, MONDO:0014180, OMIM 615425.

Allele frequency attached by ClinVar (database versions not stated): gnomAD exomes below 0.00001; TOPMed below 0.00001; gnomAD 0.00001.
gnomAD v4.1: 3 of 1,612,926 alleles (0.00019%); highest among the groups gnomAD compares: African/African-American, 0.0027%; no homozygotes.

Submission:

Labcorp Genetics (formerly Invitae), Labcorp
Classification: Uncertain significance for Epidermolysis bullosa simplex 3, localized or generalized intermediate, with BP230 deficiency; Hereditary sensory and autonomic neuropathy type 6. Last evaluated: 2023-01-05. Review status: criteria provided, single submitter. Criteria: Invitae Variant Classification Sherloc (09022015). Collection method: clinical testing. Allele origin: germline.
Comment: This sequence change affects codon 1653 of the DST mRNA. It is a 'silent' change, meaning that it does not change the encoded amino acid sequence of the DST protein. The DST gene has multiple clinically relevant transcripts. This variant occurs in alternate transcript NM_015548.4, and corresponds to NM_001723.5:c.*23260C>T in the primary transcript. This variant is not present in population databases (gnomAD no frequency). In summary, the available evidence is currently insufficient to determine the role of this variant in disease. Therefore, it has been classified as a Variant of Uncertain Significance. Experimental studies and prediction algorithms are not available or were not evaluated, and the effect of this variant on mRNA splicing is currently unknown. This variant has not been reported in the literature in individuals affected with DST-related conditions.

NM_001374736.1(DST):c.12828C>T (p.Ala4276=)

Gene: DST (dystonin; minus strand). Cytogenetic location: 6p12.1.
Variant type: single nucleotide variant.
Coding change: c.12828C>T on transcript NM_001374736.1 (MANE Select); coding-DNA position 12828, C replaced by T.
Protein change: p.Ala4276=; no amino-acid change (alanine 4276 retained).
Molecular consequence: synonymous variant.
Genome position (GRCh38, 1-based): chr6:56,592,257, G>A on the plus strand (C>T on the coding strand, the complement: DST is on the minus strand). VCF-style: chr6-56592257-G-A. GRCh37 (hg19) VCF-style: chr6-56457055-G-A.
Other names: c.6471C>T, p.Ala2157= (NM_001144769.5); c.6057C>T, p.Ala2019= (NM_001144770.2); c.12828C>T, p.Ala4276= (NM_001374722.1); c.12195C>T, p.Ala4065= (NM_001374729.1); c.5937C>T, p.Ala1979= (NM_001374730.1, NM_001386100.1, NM_183380.4); c.12855C>T, p.Ala4285= (NM_001374734.1); c.4959C>T, p.Ala1653= (NM_015548.5).
Identifiers: ClinVar variation 1970772 (VCV001970772.5), dbSNP rs1315598819, ClinGen allele CA450488659.